The following is an entry in ClinVar:

NM_006904.7(PRKDC):c.1564C>A (p.Pro522Thr)

Gene: PRKDC (protein kinase, DNA-activated, catalytic subunit; minus strand). Cytogenetic location: 8q11.21.
Variant type: single nucleotide variant.
Coding change: c.1564C>A on transcript NM_006904.7 (MANE Select); coding-DNA position 1564, C replaced by A.
Protein change: p.Pro522Thr; replaces proline 522 with threonine.
Molecular consequence: missense variant.
Genome position (GRCh38, 1-based): chr8:47,934,024, G>T on the plus strand (C>A on the coding strand, the complement: PRKDC is on the minus strand). VCF-style: chr8-47934024-G-T. GRCh37 (hg19) VCF-style: chr8-48846584-G-T.
Other names: c.1564C>A, p.Pro522Thr (NM_001081640.2); short protein forms P522T.
Identifiers: ClinVar variation 968760 (VCV000968760.11), dbSNP rs376228676, ClinGen allele CA4741698.
Genomic context (GRCh38, chr8:47,934,024, plus strand): 5'-CCATCATCTGGTCAGAGCTCAGGAGATGTCTGAAGAGATCCACGTAGTCTTTGTATGTGG[G>T]CACCTTCCATTTGCCAGTTCTGACTTCCCCTGAAGCACGGTGGTCTTCAGATTCAGACTC-3'
Protein context (NP_008835.5, residues 512-532): GEVRTGKWKV[Pro522Thr]TYKDYVDLFR

ClinVar aggregate classification (germline): Uncertain significance. Review status: criteria provided, multiple submitters, no conflicts (2 of 4 stars). 2 submissions from 2 submitters: Uncertain significance (2). Last evaluated 2023-08-08.

Conditions:
Severe combined immunodeficiency due to DNA-PKcs deficiency. Also called: IMMUNODEFICIENCY 26 WITH NEUROLOGIC ABNORMALITIES; Immunodeficiency 26 with or without neurologic abnormalities. Identifiers: Orphanet 317425, MedGen C4014833, MONDO:0014423, OMIM 615966.

Allele frequency attached by ClinVar (database versions not stated): ExAC 0.00001; gnomAD 0.00001; gnomAD exomes 0.00001; TOPMed 0.00002; ESP Exome Variant Server 0.00008.
gnomAD v4.1: 7 of 1,613,426 alleles (0.00043%); highest among the groups gnomAD compares: Admixed American, 0.0083%; no homozygotes.

Submissions (2):

Labcorp Genetics (formerly Invitae), Labcorp
Classification: Uncertain significance for Severe combined immunodeficiency due to DNA-PKcs deficiency. Last evaluated: 2023-08-08. Review status: criteria provided, single submitter. Criteria: Invitae Variant Classification Sherloc (09022015). Collection method: clinical testing. Allele origin: germline.
Comment: This sequence change replaces proline, which is neutral and non-polar, with threonine, which is neutral and polar, at codon 522 of the PRKDC protein (p.Pro522Thr). In summary, the available evidence is currently insufficient to determine the role of this variant in disease. Therefore, it has been classified as a Variant of Uncertain Significance. Advanced modeling of protein sequence and biophysical properties (such as structural, functional, and spatial information, amino acid conservation, physicochemical variation, residue mobility, and thermodynamic stability) performed at Invitae indicates that this missense variant is not expected to disrupt PRKDC protein function. ClinVar contains an entry for this variant (Variation ID: 968760). This variant has not been reported in the literature in individuals affected with PRKDC-related conditions. This variant is present in population databases (rs376228676, gnomAD 0.009%).

Ambry Genetics
Classification: Uncertain significance. Last evaluated: 2023-03-21. Review status: criteria provided, single submitter. Criteria: Ambry Variant Classification Scheme 2023. Collection method: clinical testing. Allele origin: germline.